The following is an entry in ClinVar:

ClinVar aggregate classification (germline): Pathogenic (1 of 4 stars; one submission).

Conditions:
Deficiency of aromatic-L-amino-acid decarboxylase. Also called: Aromatic L-Amino Acid Decarboxylase Deficiency; Aromatic amino acid decarboxylase deficiency; AADC DEFICIENCY; DDC DEFICIENCY; DOPA DECARBOXYLASE DEFICIENCY. Identifiers: Orphanet 35708, MedGen C1291564, MONDO:0012084, OMIM 608643.

Submission:

Labcorp Genetics (formerly Invitae), Labcorp
Classification: Pathogenic for Deficiency of aromatic-L-amino-acid decarboxylase. Last evaluated: 2020-07-31. Review status: criteria provided, single submitter. Criteria: Invitae Variant Classification Sherloc (09022015). Collection method: clinical testing. Allele origin: germline.
Comment: For these reasons, this variant has been classified as Pathogenic. Loss-of-function variants in DDC are known to be pathogenic (PMID: 15079002, 24788355). This variant has not been reported in the literature in individuals with DDC-related conditions. This variant is an out-of-frame deletion of the genomic region encompassing exon(s) 9 of the DDC gene. This is expected to create a premature translational stop signal and result in an absent or disrupted protein product.

Literature cited by the submitters: PubMed 15079002; PubMed 24788355.

NC_000007.13:g.(?_50563038)_(50563125_?)del

Gene: DDC (dopa decarboxylase; minus strand). Cytogenetic location: 7p12.1.
Variant type: Deletion.
Identifiers: ClinVar variation 1069673 (VCV001069673.6).